The following is an entry in ClinVar:

NM_002637.4(PHKA1):c.184C>G (p.Arg62Gly)

Gene: PHKA1 (phosphorylase kinase regulatory subunit alpha 1; minus strand). Cytogenetic location: Xq13.1.
Variant type: single nucleotide variant.
Coding change: c.184C>G on transcript NM_002637.4 (MANE Select); coding-DNA position 184, C replaced by G.
Protein change: p.Arg62Gly; replaces arginine 62 with glycine.
Molecular consequence: missense variant.
Genome position (GRCh38, 1-based): chrX:72,712,832, G>C on the plus strand (C>G on the coding strand, the complement: PHKA1 is on the minus strand). VCF-style: chrX-72712832-G-C. GRCh37 (hg19) VCF-style: chrX-71932674-G-C.
Other names: c.184C>G, p.Arg62Gly (NM_001122670.2, NM_001172436.2); short protein forms R62G.
Identifiers: ClinVar variation 1915145 (VCV001915145.7), dbSNP rs781996165, ClinGen allele CA413641554.

ClinVar aggregate classification (germline): Uncertain significance. Review status: criteria provided, multiple submitters, no conflicts (2 of 4 stars). 2 submissions from 2 submitters: Uncertain significance (2). Last evaluated 2026-03-24.

Conditions:
Glycogen storage disease IXd (GSD9D). Also called: GSD IXd; Muscle Phosphorylase Kinase Deficiency. Identifiers: Orphanet 715, MedGen C1845151, MONDO:0010362, OMIM 300559.

Allele frequency attached by ClinVar (database versions not stated): gnomAD exomes below 0.00001.
gnomAD v4.1: 3 of 1,206,975 alleles (0.00025%); highest among the groups gnomAD compares: East Asian, 0.003%; no homozygotes.

Submissions (2):

Dasa
Classification: Uncertain significance for Glycogen storage disease IXd. Last evaluated: 2026-03-24. Review status: criteria provided, single submitter. Criteria: DASA Assertion Criteria. Collection method: clinical testing. Allele origin: germline.
Comment: NM_002637.4(PHKA1):c.184C>G (p.Arg62Gly) is a missense variant that results in the substitution of arginine with glycine. This variant is rare in population databases. Computational prediction algorithms are consistent with a deleterious effect. The currently available literature and clinical evidence are not sufficient to establish a definitive association between this variant and the reported condition. Therefore, this variant is classified as a variant of uncertain significance.

Labcorp Genetics (formerly Invitae), Labcorp
Classification: Uncertain significance for Glycogen storage disease IXd. Last evaluated: 2022-09-27. Review status: criteria provided, single submitter. Criteria: Invitae Variant Classification Sherloc (09022015). Collection method: clinical testing. Allele origin: germline.
Comment: In summary, the available evidence is currently insufficient to determine the role of this variant in disease. Therefore, it has been classified as a Variant of Uncertain Significance. Advanced modeling of protein sequence and biophysical properties (such as structural, functional, and spatial information, amino acid conservation, physicochemical variation, residue mobility, and thermodynamic stability) performed at Invitae indicates that this missense variant is expected to disrupt PHKA1 protein function. This variant has not been reported in the literature in individuals affected with PHKA1-related conditions. This variant is present in population databases (no rsID available, gnomAD 0.1%). This sequence change replaces arginine, which is basic and polar, with glycine, which is neutral and non-polar, at codon 62 of the PHKA1 protein (p.Arg62Gly).